The following is an entry in ClinVar:

ClinVar aggregate classification (germline): Uncertain significance (1 of 4 stars; one submission).

gnomAD v4.1: 8 of 1,613,252 alleles (0.0005%); highest among the groups gnomAD compares: Non-Finnish European, 0.00059%; no homozygotes.

Submission:

Labcorp Genetics (formerly Invitae), Labcorp
Classification: Uncertain significance. Last evaluated: 2025-07-24. Review status: criteria provided, single submitter. Criteria: Invitae Variant Classification Sherloc (09022015). Collection method: clinical testing. Allele origin: germline.
Comment: This sequence change replaces tyrosine, which is neutral and polar, with cysteine, which is neutral and slightly polar, at codon 318 of the IFT88 protein (p.Tyr318Cys). This variant is present in population databases (rs377583644, gnomAD 0.004%). This variant has not been reported in the literature in individuals affected with IFT88-related conditions. An algorithm developed to predict the effect of missense changes on protein structure and function (PolyPhen-2) suggests that this variant is likely to be tolerated. In summary, the available evidence is currently insufficient to determine the role of this variant in disease. Therefore, it has been classified as a Variant of Uncertain Significance.

NM_006531.5(IFT88):c.926A>G (p.Tyr309Cys)

Gene: IFT88 (intraflagellar transport 88; plus strand). Cytogenetic location: 13q12.11.
Variant type: single nucleotide variant.
Coding change: c.926A>G on transcript NM_006531.5 (MANE Select); coding-DNA position 926, A replaced by G.
Protein change: p.Tyr309Cys; replaces tyrosine 309 with cysteine.
Molecular consequence: missense variant. On other transcripts: non-coding transcript variant (5), intron variant (7).
Genome position (GRCh38, 1-based): chr13:20,601,818, A>G. VCF-style: chr13-20601818-A-G. GRCh37 (hg19) VCF-style: chr13-21175957-A-G.
Other names: c.869A>G, p.Tyr290Cys (NM_001318491.2, NM_001353573.2, NM_001353575.2); c.953A>G, p.Tyr318Cys (NM_001318493.2, NM_001353565.2, NM_001353566.2 and 2 more transcripts); c.926A>G, p.Tyr309Cys (NM_001353568.2, NM_001353572.2); c.293A>G, p.Tyr98Cys (NM_001353579.2); c.884-33A>G (NM_001353570.2, NM_001353576.2, NM_001353577.2 and 1 more transcripts); c.857-33A>G (NM_001353571.2, NM_001353578.2); c.800-33A>G (NM_001353574.2); short protein forms Y309C, Y318C, Y290C, Y98C.
Identifiers: ClinVar variation 4697337 (VCV004697337.1).